The following is an entry in ClinVar:

ClinVar aggregate classification (germline): Uncertain significance (1 of 4 stars; one submission).

Conditions:
Primary ciliary dyskinesia. Also called: Ciliary dyskinesia. Identifiers: Orphanet 244, MedGen C0008780, MONDO:0016575, HP:0012265.

Submission:

Ambry Genetics
Classification: Uncertain significance for Primary ciliary dyskinesia. Last evaluated: 2021-04-08. Review status: criteria provided, single submitter. Criteria: Ambry Variant Classification Scheme 2023. Collection method: clinical testing. Allele origin: germline.
Comment: The c.2650-2A>G intronic variant results from an A to G substitution two nucleotides upstream from coding exon 18 in the SPAG1 gene. This alteration occurs at the 3' terminus of the SPAG1 gene, is not expected to trigger nonsense-mediated mRNA decay. The exact functional effect of this alteration is unknown. This nucleotide position is highly conserved in available vertebrate species. In silico splice site analysis predicts that this alteration will weaken the native splice acceptor site. Since supporting evidence is limited at this time, the clinical significance of this alteration remains unclear.

NM_003114.5(SPAG1):c.2650-2A>G

Gene: SPAG1 (sperm associated antigen 1; plus strand). Cytogenetic location: 8q22.2.
Variant type: single nucleotide variant.
Coding change: c.2650-2A>G on transcript NM_003114.5 (MANE Select); the canonical splice acceptor site of the intron before coding-DNA position 2650, A replaced by G.
Molecular consequence: splice acceptor variant.
Genome position (GRCh38, 1-based): chr8:100,240,889, A>G. VCF-style: chr8-100240889-A-G. GRCh37 (hg19) VCF-style: chr8-101253117-A-G.
Other names: c.2650-2A>G (NM_001374321.1, NM_172218.3).
Identifiers: ClinVar variation 1794327 (VCV001794327.2), dbSNP rs761808613, ClinGen allele CA371801619.